The following is an entry in ClinVar:

NM_001378615.1(CC2D2A):c.1401A>C (p.Pro467=)

Genes: CC2D2A (coiled-coil and C2 domain containing 2A; plus strand), FBXL5 (F-box and leucine rich repeat protein 5; minus strand). Cytogenetic location: 4p15.32.
Variant type: single nucleotide variant.
Coding change: c.1401A>C on transcript NM_001378615.1 (MANE Select); coding-DNA position 1401, A replaced by C.
Protein change: p.Pro467=; no amino-acid change (proline 467 retained).
Molecular consequence: synonymous variant.
Genome position (GRCh38, 1-based): chr4:15,528,661, A>C. VCF-style: chr4-15528661-A-C. GRCh37 (hg19) VCF-style: chr4-15530284-A-C.
Other names: c.1401A>C, p.Pro467= (NM_001080522.2); c.1254A>C, p.Pro418= (NM_001378617.1).
Identifiers: ClinVar variation 347756 (VCV000347756.13), dbSNP rs886059136, ClinGen allele CA10620339.
Genomic context (GRCh38, chr4:15,528,661, plus strand): 5'-GTATCCATGTCGTTTTAAGCTCCAAGCTTTAAGAAATGCTGTTCAGACTGGCCTTGATCC[A>C]GAAAAACCTCATCAGTCTCTCGATACCATCCAAAAAACCATCAATGAGTATAAATCTGAA-3'
Protein context (NP_001365544.1, residues 457-477): LRNAVQTGLD[Pro467=]EKPHQSLDTI

ClinVar aggregate classification (germline): Conflicting classifications of pathogenicity. Review status: criteria provided, conflicting classifications (1 of 4 stars). 5 submissions from 4 submitters: Uncertain significance (2); Likely benign (3). Last evaluated 2025-12-30.

Conditions:
CC2D2A-related disorder. Also called: CC2D2A-related disorders; CC2D2A-related condition. Identifiers: MedGen CN239313.
Meckel-Gruber syndrome. Also called: Dysencephalia splachnocystica; DYSENCEPHALIA SPLANCHNOCYSTICA; GRUBER SYNDROME. Identifiers: Orphanet 564, MedGen C0265215, MONDO:0018921.
Joubert syndrome. Also called: JOUBERT-BOLTSHAUSER SYNDROME; Familial aplasia of the vermis. Identifiers: Orphanet 475, MedGen C5979921, MONDO:0018772.
Meckel syndrome, type 6. Identifiers: Orphanet 564, MedGen C2676790, MONDO:0012848, OMIM 612284.
Joubert syndrome 9 (JBTS9). Identifiers: Orphanet 2318, MedGen C2676788, MONDO:0012849, OMIM 612285.

Allele frequency attached by ClinVar (database versions not stated): gnomAD exomes below 0.00001.
gnomAD v4.1: 3 of 1,613,934 alleles (0.00019%); highest among the groups gnomAD compares: Non-Finnish European, 0.00025%; no homozygotes.

Submissions (5):

PreventionGenetics, part of Exact Sciences
Classification: Likely benign for CC2D2A-related condition. Last evaluated: 2025-12-30. Review status: criteria provided, single submitter. Criteria: ACMG Guidelines, 2015. Collection method: clinical testing. Allele origin: germline.
Comment: This variant is classified as likely benign based on ACMG/AMP sequence variant interpretation guidelines (Richards et al. 2015 PMID: 25741868, with internal and published modifications).

Labcorp Genetics (formerly Invitae), Labcorp
Classification: Likely benign for Joubert syndrome; Meckel-Gruber syndrome. Last evaluated: 2023-10-17. Review status: criteria provided, single submitter. Criteria: Invitae Variant Classification Sherloc (09022015). Collection method: clinical testing. Allele origin: germline.

Blueprint Genetics
Classification: Likely benign. Last evaluated: 2020-05-29. Review status: criteria provided, single submitter. Criteria: ACMG Guidelines, 2015. Collection method: clinical testing. Allele origin: germline.

Illumina Laboratory Services, Illumina
Classification: Uncertain significance for Meckel syndrome, type 6. Last evaluated: 2018-01-12. Review status: criteria provided, single submitter. Criteria: ICSL Variant Classification Criteria 13 December 2019. Collection method: clinical testing. Allele origin: germline.

Illumina Laboratory Services, Illumina
Classification: Uncertain significance for Joubert syndrome 9. Last evaluated: 2018-01-12. Review status: criteria provided, single submitter. Criteria: ICSL Variant Classification Criteria 13 December 2019. Collection method: clinical testing. Allele origin: germline.